The following is an entry in ClinVar:

ClinVar aggregate classification (germline): Likely pathogenic (1 of 4 stars; one submission).

Conditions:
CHD7-related CHARGE syndrome. Identifiers: MedGen CN380413, MONDO:1010178, OMIM 214800.

Submission:

3billion
Classification: Likely pathogenic for CHD7-related CHARGE syndrome. Last evaluated: 2025-10-25. Review status: criteria provided, single submitter. Criteria: ACMG Guidelines, 2015. Collection method: clinical testing. Allele origin: germline. Affected: yes.
Comment: The variant is not observed in the gnomAD v4.1.0 dataset. Predicted Consequence/Location: Frameshift: predicted to result in a loss or disruption of normal protein function through nonsense-mediated decay (NMD) or protein truncation. Multiple pathogenic variants are reported downstream of the variant. Therefore, this variant is classified as Likely pathogenic according to the recommendation of ACMG/AMP guideline.

NM_017780.4(CHD7):c.6409del (p.Ala2137fs)

Gene: CHD7 (chromodomain helicase DNA binding protein 7; plus strand). Cytogenetic location: 8q12.2.
Variant type: Deletion.
Coding change: c.6409del on transcript NM_017780.4 (MANE Select); coding-DNA position 6409, one base deleted (G; older notation c.6409delG).
Protein change: p.Ala2137fs; shifts the reading frame from alanine 2137.
Molecular consequence: frameshift variant. On other transcripts: intron variant (1).
Genome position (GRCh38, 1-based): chr8:60,853,134, G deleted; the last of 4 consecutive G bases (chr8:60,853,131-60,853,134); deleting any one gives the same sequence. VCF-style (leftmost placement, unchanged base first): chr8-60853130-AG-A. GRCh37 (hg19) VCF-style: chr8-61765689-AG-A.
Other names: c.1717-9095del (NM_001316690.1); short protein forms A2137fs.
Identifiers: ClinVar variation 4855733 (VCV004855733.1).